The following is an entry in ClinVar:

NM_015937.6(PIGT):c.1676G>A (p.Gly559Asp)

Gene: PIGT (phosphatidylinositol glycan anchor biosynthesis class T; plus strand). Cytogenetic location: 20q13.12.
Variant type: single nucleotide variant.
Coding change: c.1676G>A on transcript NM_015937.6 (MANE Select); coding-DNA position 1676, G replaced by A.
Protein change: p.Gly559Asp; replaces glycine 559 with aspartic acid.
Molecular consequence: missense variant. On other transcripts: non-coding transcript variant (5).
Genome position (GRCh38, 1-based): chr20:45,425,765, G>A. VCF-style: chr20-45425765-G-A. GRCh37 (hg19) VCF-style: chr20-44054405-G-A.
Other names: c.1508G>A, p.Gly503Asp (NM_001184728.3); c.1475G>A, p.Gly492Asp (NM_001184729.3); c.1370G>A, p.Gly457Asp (NM_001184730.3); short protein forms G457D, G492D, G503D, G559D.
Identifiers: ClinVar variation 1718923 (VCV001718923.6), dbSNP rs879888084, ClinGen allele CA315580071.

ClinVar aggregate classification (germline): Uncertain significance (1 of 4 stars; one submission).

Conditions:
Multiple congenital anomalies-hypotonia-seizures syndrome 3 (MCAHS3). Also called: GLYCOSYLPHOSPHATIDYLINOSITOL BIOSYNTHESIS DEFECT 7. Identifiers: Orphanet 369837, MedGen C3809356, MONDO:0014165, OMIM 615398.

Allele frequency attached by ClinVar (database versions not stated): gnomAD exomes below 0.00001.
gnomAD v4.1: 3 of 1,614,060 alleles (0.00019%); highest among the groups gnomAD compares: East Asian, 0.0022%; no homozygotes.

Submission:

Labcorp Genetics (formerly Invitae), Labcorp
Classification: Uncertain significance for Multiple congenital anomalies-hypotonia-seizures syndrome 3. Last evaluated: 2024-06-03. Review status: criteria provided, single submitter. Criteria: Invitae Variant Classification Sherloc (09022015). Collection method: clinical testing. Allele origin: germline.
Comment: This sequence change replaces glycine, which is neutral and non-polar, with aspartic acid, which is acidic and polar, at codon 559 of the PIGT protein (p.Gly559Asp). This variant is present in population databases (no rsID available, gnomAD 0.006%). This variant has not been reported in the literature in individuals affected with PIGT-related conditions. ClinVar contains an entry for this variant (Variation ID: 1718923). Advanced modeling of protein sequence and biophysical properties (such as structural, functional, and spatial information, amino acid conservation, physicochemical variation, residue mobility, and thermodynamic stability) performed at Invitae indicates that this missense variant is not expected to disrupt PIGT protein function with a negative predictive value of 80%. In summary, the available evidence is currently insufficient to determine the role of this variant in disease. Therefore, it has been classified as a Variant of Uncertain Significance.